The following is an entry in ClinVar:

ClinVar aggregate classification (germline): Pathogenic/Likely pathogenic. Review status: criteria provided, multiple submitters, no conflicts (2 of 4 stars). 2 submissions from 2 submitters: Pathogenic (1); Likely pathogenic (1). Last evaluated 2025-09-06.

Conditions:
CREBBP-related disorder. Also called: CREBBP-related disorders; CREBBP-related condition.

Submissions (2):

PreventionGenetics, part of Exact Sciences
Classification: Likely pathogenic for CREBBP-related condition. Last evaluated: 2025-09-06. Review status: criteria provided, single submitter. Criteria: ACMG Guidelines, 2015. Collection method: clinical testing. Allele origin: germline.
Comment: The CREBBP c.3609+1G>A variant is predicted to disrupt the GT donor site and interfere with normal splicing. This variant was reported in individuals with autism or developmental disorder (Supplementary Data 3, Zhou et al. 2022. PubMed ID: 35982159; de novo in Supplementary Table 1, Kaplanis et al. 2020. PubMed ID: 33057194). This variant has not been reported in a large population database (gnomAD), indicating this variant is rare. Variants that disrupt the consensus splice donor site in CREBBP are expected to be pathogenic. Of note, a different canonical splice variant at the same donor site has been reported in an individual with Rubinstein-Taybi Syndrome (RSTS) (c.3609+1G>T in Pérez-Grijalba et al. 2019. PubMed ID: 31566936). The c.3609+1G>A variant is interpreted as likely pathogenic.

GeneDx
Classification: Pathogenic. Last evaluated: 2016-07-12. Review status: criteria provided, single submitter. Criteria: GeneDx Variant Classification (06012015). Collection method: clinical testing. Allele origin: germline. Affected: yes.
Comment: The c.3609+1G>A variant in the CREBBP gene has not been reported previously as a pathogenic variant nor as a benign variant, to our knowledge. This splice site variant destroys the canonical splice donor site in intron 18. It is predicted to cause abnormal gene splicing, resulting in an in-frame protein product with an abnormal message. The c.3609+1G>A variant was not observed in approximately 6500 individuals of European and African American ancestry in the NHLBI Exome Sequencing Project, indicating it is not a common benign variant in these populations. We interpret c.3609+1G>A as a pathogenic variant.

NM_004380.3(CREBBP):c.3609+1G>A

Gene: CREBBP (CREB binding lysine acetyltransferase; minus strand). Cytogenetic location: 16p13.3.
Variant type: single nucleotide variant.
Coding change: c.3609+1G>A on transcript NM_004380.3 (MANE Select); the canonical splice donor site of the intron after coding-DNA position 3609, G replaced by A.
Molecular consequence: splice donor variant.
Genome position (GRCh38, 1-based): chr16:3,757,808, C>T on the plus strand (G>A on the coding strand, the complement: CREBBP is on the minus strand). VCF-style: chr16-3757808-C-T. GRCh37 (hg19) VCF-style: chr16-3807809-C-T.
Other names: c.3495+1G>A (NM_001079846.1).
Identifiers: ClinVar variation 280728 (VCV000280728.3), dbSNP rs886041879, ClinGen allele CA10603394.